The following is an entry in ClinVar:

ClinVar aggregate classification (germline): Uncertain significance (1 of 4 stars; one submission).

Submission:

Labcorp Genetics (formerly Invitae), Labcorp
Classification: Uncertain significance. Last evaluated: 2022-07-06. Review status: criteria provided, single submitter. Criteria: Invitae Variant Classification Sherloc (09022015). Collection method: clinical testing. Allele origin: germline.
Comment: In summary, the available evidence is currently insufficient to determine the role of this variant in disease. Therefore, it has been classified as a Variant of Uncertain Significance. Algorithms developed to predict the effect of missense changes on protein structure and function are either unavailable or do not agree on the potential impact of this missense change (SIFT: "Tolerated"; PolyPhen-2: "Not Available"; Align-GVGD: "Class C0"). This variant has not been reported in the literature in individuals affected with KIAA1161-related conditions. This variant is present in population databases (rs761021369, gnomAD 0.001%). This sequence change replaces lysine, which is basic and polar, with asparagine, which is neutral and polar, at codon 439 of the KIAA1161 protein (p.Lys439Asn).

NM_020702.5(MYORG):c.1317G>C (p.Lys439Asn)

Gene: MYORG (myogenesis regulating glycosidase; minus strand). Cytogenetic location: 9p13.3.
Variant type: single nucleotide variant.
Coding change: c.1317G>C on transcript NM_020702.5 (MANE Select); coding-DNA position 1317, G replaced by C.
Protein change: p.Lys439Asn; replaces lysine 439 with asparagine.
Molecular consequence: missense variant.
Genome position (GRCh38, 1-based): chr9:34,371,627, C>G on the plus strand (G>C on the coding strand, the complement: MYORG is on the minus strand). VCF-style: chr9-34371627-C-G. GRCh37 (hg19) VCF-style: chr9-34371625-C-G.
Other names: short protein forms K439N.
Identifiers: ClinVar variation 2068862 (VCV002068862.4), dbSNP rs761021369, ClinGen allele CA5032951.
Genomic context (GRCh38, chr9:34,371,627, plus strand): 5'-GGAAGCCACGGAGTAGCGAGAGCGCAGCCGCCGCAGGTGTCCCTGGAACCAGTCGCGGGC[C>G]TTTGGGTGCGTGAAGTCTAGCACCGCGCCGATGCCGTTCCACCAGCGCACCAGCGCAGGT-3'
Protein context (NP_065753.2, residues 429-449): IGAVLDFTHP[Lys439Asn]ARDWFQGHLR